The following is an entry in ClinVar:

ClinVar aggregate classification (germline): Benign/Likely benign. Review status: criteria provided, multiple submitters, no conflicts (2 of 4 stars). 5 submissions from 5 submitters: Benign (1); Likely benign (4). Last evaluated 2026-06-01.

Conditions:
Inborn genetic diseases. Identifiers: MedGen C0950123, MeSH D030342.

Allele frequency attached by ClinVar (database versions not stated): TOPMed 0.00065; ESP Exome Variant Server 0.00092; gnomAD exomes 0.00113; gnomAD 0.00127 and 0.00136; ExAC 0.00130.
gnomAD v4.1: 1,325 of 1,613,538 alleles (0.082%); highest among the groups gnomAD compares: Non-Finnish European, 0.073%; 4 homozygotes.

Submissions (5):

CeGaT Center for Human Genetics Tuebingen
Classification: Likely benign. Last evaluated: 2026-06-01. Review status: criteria provided, single submitter. Criteria: CeGaT Center For Human Genetics Tuebingen Variant Classification Criteria Version 2. Collection method: clinical testing. Allele origin: germline. Affected: yes. Observed: 13 variant alleles.
Comment: TRAPPC9: BP4

Labcorp Genetics (formerly Invitae), Labcorp
Classification: Benign. Last evaluated: 2026-01-15. Review status: criteria provided, single submitter. Criteria: Invitae Variant Classification Sherloc (09022015). Collection method: clinical testing. Allele origin: germline.

Blueprint Genetics
Classification: Likely benign. Last evaluated: 2024-11-20. Review status: criteria provided, single submitter. Criteria: ACMG Guidelines, 2015. Collection method: clinical testing. Allele origin: germline.

Ambry Genetics
Classification: Likely benign for Inborn genetic diseases. Last evaluated: 2016-11-17. Review status: criteria provided, single submitter. Criteria: Ambry Variant Classification Scheme 2023. Collection method: clinical testing. Allele origin: germline.

Genetic Services Laboratory, University of Chicago
Classification: Likely benign. Last evaluated: 2015-06-30. Review status: criteria provided, single submitter. Criteria: ACMG Guidelines, 2015. Collection method: clinical testing. Allele origin: germline.

NM_001160372.4(TRAPPC9):c.1164C>T (p.Tyr388=)

Gene: TRAPPC9 (trafficking protein particle complex subunit 9; minus strand). Cytogenetic location: 8q24.3.
Variant type: single nucleotide variant.
Coding change: c.1164C>T on transcript NM_001160372.4 (MANE Select); coding-DNA position 1164, C replaced by T.
Protein change: p.Tyr388=; no amino-acid change (tyrosine 388 retained).
Molecular consequence: synonymous variant. On other transcripts: non-coding transcript variant (1).
Genome position (GRCh38, 1-based): chr8:140,371,151, G>A on the plus strand (C>T on the coding strand, the complement: TRAPPC9 is on the minus strand). VCF-style: chr8-140371151-G-A. GRCh37 (hg19) VCF-style: chr8-141381250-G-A.
Other names: c.1137C>T, p.Tyr379= (NM_001321646.2); c.1185C>T, p.Tyr395= (NM_001374682.1); c.1164C>T, p.Tyr388= (NM_001374683.1, NM_001374684.1, NM_031466.8).
Identifiers: ClinVar variation 212414 (VCV000212414.49), dbSNP rs148976893, ClinGen allele CA206928.
Genomic context (GRCh38, chr8:140,371,151, plus strand): 5'-CTTGAAGAACGCAGACTTGCGATGGAAGCCGATCAGCTCATAGAGCTCGGAGAGGATGCT[G>A]TAGCGCTGAATTTTCTCTTCCTCAGAAAGCTGAAGCACAGAGAGAAAGTAAAAAGCTTTT-3'
Protein context (NP_001153844.1, residues 378-398): QLSEEEKIQR[Tyr388=]SILSELYELI